The following is an entry in ClinVar:

ClinVar aggregate classification (germline): Benign. Review status: reviewed by expert panel (3 of 4 stars). 14 submissions from 14 submitters: Benign (1). 13 of the submissions do not count toward it. Last evaluated 2023-08-03.

Conditions:
CDH1-related diffuse gastric and lobular breast cancer syndrome. Also called: CDH1-related diffuse gastric and lobular breast cancer. Identifiers: MedGen CN311521, MONDO:0100488.
CDH1-related disorder. Also called: CDH1-related condition.
Hereditary cancer-predisposing syndrome. Also called: Neoplastic Syndromes, Hereditary; Hereditary Cancer Syndrome; Hereditary neoplastic syndrome; Tumor predisposition. Identifiers: Orphanet 140162, MedGen C0027672, MeSH D009386, MONDO:0015356.
Hereditary diffuse gastric adenocarcinoma (HDGC). Also called: DIFFUSE GASTRIC AND LOBULAR BREAST CANCER SYNDROME. Identifiers: Orphanet 26106, MedGen C1708349, MONDO:0007648, OMIM 137215.

Allele frequency attached by ClinVar (database versions not stated): gnomAD exomes 0.00001 and 0.00003; ExAC 0.00002; 1000 Genomes Project 30x 0.00016; gnomAD 0.00016; 1000 Genomes Project 0.00020; TOPMed 0.00035.
gnomAD v4.1: 42 of 1,614,228 alleles (0.0026%); highest among the groups gnomAD compares: Admixed American, 0.052%; no homozygotes.

Submissions (14):

Clingen Gastric Cancer Variant Curation Expert Panel
Classification: Benign for CDH1-related diffuse gastric and lobular breast cancer syndrome. Last evaluated: 2023-08-03. Review status: reviewed by expert panel. Criteria: ClinGen CDH1 ACMG Specifications V3.1. Collection method: curation. Allele origin: germline. Inheritance: Autosomal dominant inheritance.
Comment: The filtering allele frequency of the c.1568A>G (p.Tyr523Cys) variant in the CDH1 gene is 0.15% for Latino/Admixed American chromosomes in gnomAD (95% CI of 23/15282), which meets the allele frequency threshold defined by the ClinGen CDH1 Variant Curation Expert Panel for considering strong evidence against pathogenicity for autosomal dominant hereditary diffuse gastric cancer variants (BS1). This variant has been observed in >10 individuals without a diagnosis of diffuse gastric cancer, signet ring tumor or lobular breast cancer and whose family histories do not suggest HDGC (BS2; internal laboratory contributors). This variant was observed in the homozygous state in 9 individuals without personal and/or family history of DGC, LBC, or SRC tumors (BP2_strong; internal laboratory contributors). In summary, the clinical significance of this variant is classified as benign. ACMG/AMP criteria applied, as specified by the CDH1 Variant Curation Expert Panel: BS1, BS2, BP2_strong. (CDH1 VCEP specifications version 3.1; 06/26/2023)

Labcorp Genetics (formerly Invitae), Labcorp
Classification: Benign for Hereditary diffuse gastric adenocarcinoma. Last evaluated: 2026-01-28. Review status: criteria provided, single submitter. Criteria: Invitae Variant Classification Sherloc (09022015). Collection method: clinical testing. Allele origin: germline. Not counted in ClinVar's aggregate classification.

Women's Health and Genetics/Laboratory Corporation of America, LabCorp
Classification: Likely benign. Last evaluated: 2025-07-14. Review status: criteria provided, single submitter. Criteria: LabCorp Variant Classification Summary - May 2015. Collection method: clinical testing. Allele origin: germline. Not counted in ClinVar's aggregate classification.
Comment: Variant summary: CDH1 c.1568A>G (p.Tyr523Cys) results in a non-conservative amino acid change located in the Cadherin-like domian (IPR002126) of the encoded protein sequence. Algorithms developed to predict the effect of missense changes on protein structure and function all suggest that this variant is likely to be disruptive. The variant allele was found at a frequency of 2.6e-05 in 1614228 control chromosomes, predominantly at a frequency of 0.00052 within the Latino subpopulation in the gnomAD database. The observed variant frequency within Latino control individuals in the gnomAD database is approximately 18 fold of the estimated maximal expected allele frequency for a pathogenic variant in CDH1 causing Hereditary Diffuse Gastric Cancer phenotype (2.8e-05). c.1568A>G has been observed in individual(s) affected with Breast Cancer (Dutil_2019). These report(s) do not provide unequivocal conclusions about association of the variant with Hereditary Diffuse Gastric Cancer. To our knowledge, no experimental evidence demonstrating an impact on protein function has been reported. The following publication have been ascertained in the context of this evaluation (PMID: 31780696). ClinVar contains an entry for this variant (Variation ID: 141014). Based on the evidence outlined above, the variant was classified as likely benign.

Myriad Genetics, Inc.
Classification: Likely benign for Hereditary diffuse gastric adenocarcinoma. Last evaluated: 2024-11-15. Review status: criteria provided, single submitter. Criteria: Myriad Autosomal Dominant, Autosomal Recessive and X-Linked Classification Criteria (2023). Collection method: clinical testing. Allele origin: unknown. Not counted in ClinVar's aggregate classification.
Comment: This variant is considered likely benign. Homozygosity has been confirmed in one or more individuals. As homozygosity for pathogenic variants in this gene is generally assumed to result in embryonic lethality, this variant is unlikely to be pathogenic.

Color Diagnostics, LLC DBA Color Health
Classification: Likely benign for Hereditary cancer-predisposing syndrome. Last evaluated: 2024-08-20. Review status: criteria provided, single submitter. Criteria: ACMG Guidelines, 2015. Collection method: clinical testing. Allele origin: germline. Not counted in ClinVar's aggregate classification.

St. Jude Molecular Pathology, St. Jude Children's Research Hospital
Classification: Uncertain significance for Hereditary diffuse gastric adenocarcinoma. Last evaluated: 2023-06-21. Review status: criteria provided, single submitter. Criteria: St. Jude Assertion Criteria 2020. Collection method: clinical testing. Allele origin: germline. Not counted in ClinVar's aggregate classification.
Comment: The CDH1 c.1568A>G (p.Tyr523Cys) missense change has a maximum subpopulation frequency of 0.011% in gnomAD v2.1.1. This variant is located adjacent to the acceptor splice site of intron 10, however it is not predicted to affect splicing. Canonical splice site variants affecting this acceptor site are predicted to result in an in-frame insertion with a potential rescue transcript (PMID: 36600593). This variant has been identified in BRCA1/2-negative breast cancer patients, however it is unknown if these individuals had lobular breast cancer (PMID: 29522266, 31780696). To our knowledge, this variant has not been reported in the literature in individuals with diffuse gastric and lobular breast cancer syndrome. In summary, the evidence currently available is insufficient to determine the clinical significance of this variant. It has therefore been classified as of uncertain significance.

Quest Diagnostics Nichols Institute San Juan Capistrano
Classification: Likely benign. Last evaluated: 2023-02-06. Review status: criteria provided, single submitter. Criteria: Quest Diagnostics criteria. Collection method: clinical testing. Allele origin: unknown. Not counted in ClinVar's aggregate classification.

Sema4
Classification: Uncertain significance for Hereditary cancer-predisposing syndrome. Last evaluated: 2021-10-10. Review status: criteria provided, single submitter. Criteria: Sema4 Curation Guidelines. Collection method: curation. Allele origin: germline. Not counted in ClinVar's aggregate classification.
Comment: The CDH1 c.1568A>G (p.Y523C) variant has been reported in 3 individuals with breast cancer (PMID 31780696, 29522266, 32936981). It was observed in 4/35440 chromosomes of the Latino subpopulation in the large and broad cohorts of the Genome Aggregation Database (PMID: 32461654). The variant has been reported in ClinVar (Variation ID: 141014). In silico tools suggest that the variant is deleterious, though these predictions have not been confirmed by functional studies. The evidence is insufficient to meet ACMG/AMP criteria for classifying the variant as benign or pathogenic. Thus, the clinical significance of this variant is currently uncertain.

GeneDx
Classification: Likely benign. Last evaluated: 2020-12-11. Review status: criteria provided, single submitter. Criteria: GeneDx Variant Classification Process June 2021. Collection method: clinical testing. Allele origin: germline. Affected: yes. Not counted in ClinVar's aggregate classification.
Comment: Observed in individuals with breast cancer (Hauke 2018, Dutil 2019); In silico analysis supports that this missense variant has a deleterious effect on protein structure/function; This variant is associated with the following publications: (PMID: 27181684, 29522266, 31780696, 32936981)

Ambry Genetics
Classification: Likely benign for Hereditary cancer-predisposing syndrome. Last evaluated: 2020-09-24. Review status: criteria provided, single submitter. Criteria: Ambry Variant Classification Scheme 2023. Collection method: clinical testing. Allele origin: germline. Not counted in ClinVar's aggregate classification.

Department of Pathology and Laboratory Medicine, Sinai Health System
Classification: Uncertain significance for CDH1-related diffuse gastric and lobular breast cancer syndrome. Last evaluated: 2019-11-06. Review status: criteria provided, single submitter. Criteria: ACMG Guidelines, 2015. Collection method: clinical testing. Allele origin: germline. Affected: no. Not counted in ClinVar's aggregate classification.

Genetic Services Laboratory, University of Chicago
Classification: Uncertain significance. Last evaluated: 2018-11-21. Review status: criteria provided, single submitter. Criteria: ACMG Guidelines, 2015. Collection method: clinical testing. Allele origin: germline. Affected: no. Not counted in ClinVar's aggregate classification.

PreventionGenetics, part of Exact Sciences
Classification: Likely benign for CDH1-related condition. Last evaluated: 2024-01-08. Review status: no assertion criteria provided. Collection method: clinical testing. Allele origin: germline. Not counted in ClinVar's aggregate classification.
Comment: This variant is classified as likely benign based on ACMG/AMP sequence variant interpretation guidelines (Richards et al. 2015 PMID: 25741868, with internal and published modifications).

Counsyl
Classification: Uncertain significance for Hereditary diffuse gastric adenocarcinoma. Last evaluated: 2016-01-27. Review status: no assertion criteria provided. Collection method: clinical testing. Allele origin: unknown. Not counted in ClinVar's aggregate classification.

Literature cited by the submitters: PubMed 31780696 (cited by 4 submitters); PubMed 29522266 (cited by 3 submitters); PubMed 32936981 (cited by Quest Diagnostics Nichols Institute San Juan Capistrano and Sema4); PubMed 27392081 (cited by Quest Diagnostics Nichols Institute San Juan Capistrano).

NM_004360.5(CDH1):c.1568A>G (p.Tyr523Cys)

Gene: CDH1 (cadherin 1; plus strand). Cytogenetic location: 16q22.1.
Variant type: single nucleotide variant.
Coding change: c.1568A>G on transcript NM_004360.5 (MANE Select); coding-DNA position 1568, A replaced by G.
Protein change: p.Tyr523Cys; replaces tyrosine 523 with cysteine.
Molecular consequence: missense variant. On other transcripts: intron variant (1).
Genome position (GRCh38, 1-based): chr16:68,819,282, A>G. VCF-style: chr16-68819282-A-G. GRCh37 (hg19) VCF-style: chr16-68853185-A-G.
Other names: p.Y523C:TAT>TGT; NM_004360.5(CDH1):c.1568A>G; c.1568A>G (LRG_301t1); c.1385A>G, p.Tyr462Cys (NM_001317184.2); c.20A>G, p.Tyr7Cys (NM_001317185.2); c.-254-2719A>G (NM_001317186.2); short protein forms Y523C, Y462C, Y7C.
Identifiers: ClinVar variation 141014 (VCV000141014.45), dbSNP rs553907248, ClinGen allele CA090925.